The following is an entry in ClinVar:

ClinVar aggregate classification (germline): Likely benign (1 of 4 stars; one submission).

gnomAD v4.1: 51 of 1,613,870 alleles (0.0032%); highest among the groups gnomAD compares: East Asian, 0.042%; no homozygotes.

Submission:

CeGaT Center for Human Genetics Tuebingen
Classification: Likely benign. Last evaluated: 2026-07-01. Review status: criteria provided, single submitter. Criteria: CeGaT Center For Human Genetics Tuebingen Variant Classification Criteria Version 2. Collection method: clinical testing. Allele origin: germline. Affected: yes. Observed: 1 variant allele.
Comment: CHD5: BP4, BP7

NM_015557.3(CHD5):c.3645G>A (p.Pro1215=)

Gene: CHD5 (chromodomain helicase DNA binding protein 5; minus strand). Cytogenetic location: 1p36.31.
Variant type: single nucleotide variant.
Coding change: c.3645G>A on transcript NM_015557.3 (MANE Select); coding-DNA position 3645, G replaced by A.
Protein change: p.Pro1215=; no amino-acid change (proline 1215 retained).
Molecular consequence: synonymous variant.
Genome position (GRCh38, 1-based): chr1:6,128,584, C>T on the plus strand (G>A on the coding strand, the complement: CHD5 is on the minus strand). VCF-style: chr1-6128584-C-T. GRCh37 (hg19) VCF-style: chr1-6188644-C-T.
Identifiers: ClinVar variation 5039309 (VCV005039309.1).